The following is an entry in ClinVar:

NM_017841.4(SDHAF2):c.46_47del (p.Leu16fs)

Gene: SDHAF2 (succinate dehydrogenase complex assembly factor 2; plus strand). Cytogenetic location: 11q12.2.
Variant type: Microsatellite.
Coding change: c.46_47del on transcript NM_017841.4 (MANE Select); coding-DNA positions 46 to 47, 2 bases deleted (CT; older notation c.46_47delCT).
Protein change: p.Leu16fs; shifts the reading frame from leucine 16.
Molecular consequence: frameshift variant.
Genome position (GRCh38, 1-based): chr11:61,437,634-61,437,635, CT deleted; deleting any 2 consecutive bases within chr11:61,437,632-61,437,635 gives the same sequence; the c. name uses the placement nearest the transcript's 3' end. VCF-style (leftmost placement, unchanged base first): chr11-61437631-GCT-G. GRCh37 (hg19) VCF-style: chr11-61205103-GCT-G.
Other names: short protein forms L16fs.
Identifiers: ClinVar variation 4875993 (VCV004875993.1).
Genomic context (GRCh38, chr11:61,437,631, plus strand): 5'-ATAGCGATGATAGTCGTCATTATTGTAAAGATGTTTGTGGTTTGTTCATTTCAGATGCTT[GCT>G]CTGTCAAGGCACAGCCTATTGTCTCCTTTGCTCAGTGTGACATCATTCAGACGCTTCTAC-3'

ClinVar aggregate classification (germline): Pathogenic (1 of 4 stars; one submission).

Conditions:
Pheochromocytoma/paraganglioma syndrome 2. Also called: GLOMUS TUMORS, FAMILIAL, 2; Paragangliomas 2; SDHAF2-Related Hereditary Paraganglioma-Pheochromocytoma Syndrome (Paragangliomas 2); SDHAF2-Related Hereditary Paraganglioma-Pheochromocytoma Syndrome. Identifiers: Orphanet 29072, MedGen C1866552, MONDO:0011121, OMIM 601650.

Submission:

Myriad Genetics, Inc.
Classification: Pathogenic for Pheochromocytoma/paraganglioma syndrome 2. Last evaluated: 2026-04-08. Review status: criteria provided, single submitter. Criteria: Myriad Autosomal Dominant, Autosomal Recessive and X-Linked Classification Criteria (2023). Collection method: clinical testing. Allele origin: unknown.
Comment: This variant is considered pathogenic. This variant creates a frameshift predicted to result in premature protein truncation.